The following is an entry in ClinVar:

ClinVar aggregate classification (germline): Uncertain significance (1 of 4 stars; one submission).

gnomAD v4.1: 1 of 1,470,034 alleles (0.000068%); highest among the groups gnomAD compares: Admixed American, 0.0026%; no homozygotes.

Submission:

Labcorp Genetics (formerly Invitae), Labcorp
Classification: Uncertain significance. Last evaluated: 2024-01-03. Review status: criteria provided, single submitter. Criteria: Invitae Variant Classification Sherloc (09022015). Collection method: clinical testing. Allele origin: germline.
Comment: This sequence change replaces alanine, which is neutral and non-polar, with glycine, which is neutral and non-polar, at codon 1519 of the SETBP1 protein (p.Ala1519Gly). The frequency data for this variant in the population databases is considered unreliable, as metrics indicate poor data quality at this position in the gnomAD database. This variant has not been reported in the literature in individuals affected with SETBP1-related conditions. Advanced modeling of protein sequence and biophysical properties (such as structural, functional, and spatial information, amino acid conservation, physicochemical variation, residue mobility, and thermodynamic stability) performed at Invitae indicates that this missense variant is not expected to disrupt SETBP1 protein function with a negative predictive value of 80%. In summary, the available evidence is currently insufficient to determine the role of this variant in disease. Therefore, it has been classified as a Variant of Uncertain Significance.

NM_015559.3(SETBP1):c.4556C>G (p.Ala1519Gly)

Gene: SETBP1 (SET binding protein 1; plus strand). Cytogenetic location: 18q12.3.
Variant type: single nucleotide variant.
Coding change: c.4556C>G on transcript NM_015559.3 (MANE Select); coding-DNA position 4556, C replaced by G.
Protein change: p.Ala1519Gly; replaces alanine 1519 with glycine.
Molecular consequence: missense variant.
Genome position (GRCh38, 1-based): chr18:45,063,463, C>G. VCF-style: chr18-45063463-C-G. GRCh37 (hg19) VCF-style: chr18-42643428-C-G.
Other names: c.4556C>G, p.Ala1519Gly (NM_001379141.1, NM_001379142.1); c.4385C>G, p.Ala1462Gly (NM_001410862.1); short protein forms A1519G, A1462G.
Identifiers: ClinVar variation 2707217 (VCV002707217.3), dbSNP rs1216102483, ClinGen allele CA402483677.
Genomic context (GRCh38, chr18:45,063,463, plus strand): 5'-CCGCCAGCCAAGACACCATCATGGCCACCATCGAGGCGGTCATCCACATGGCCCGGGAGG[C>G]GCCGCCCCTGCCCCCGCCACCGCCGCCGCCCCTGCCGCCACCGCCGCCACCACCCCTGCC-3'
Protein context (NP_056374.2, residues 1509-1529): IEAVIHMARE[Ala1519Gly]PPLPPPPPPP